The following is an entry in ClinVar:

NM_000079.4(CHRNA1):c.614A>G (p.Lys205Arg)

Gene: CHRNA1 (cholinergic receptor nicotinic alpha 1 subunit; minus strand). Cytogenetic location: 2q31.1.
Variant type: single nucleotide variant.
Coding change: c.614A>G on transcript NM_000079.4 (MANE Select); coding-DNA position 614, A replaced by G.
Protein change: p.Lys205Arg; replaces lysine 205 with arginine.
Molecular consequence: missense variant.
Genome position (GRCh38, 1-based): chr2:174,753,667, T>C on the plus strand (A>G on the coding strand, the complement: CHRNA1 is on the minus strand). VCF-style: chr2-174753667-T-C. GRCh37 (hg19) VCF-style: chr2-175618395-T-C.
Other names: c.689A>G, p.Lys230Arg (NM_001039523.3); short protein forms K205R, K230R.
Identifiers: ClinVar variation 3669346 (VCV003669346.2).

ClinVar aggregate classification (germline): Uncertain significance (1 of 4 stars; one submission).

Conditions:
Lethal multiple pterygium syndrome (LMPS). Identifiers: Orphanet 33108, MedGen C1854678, MONDO:0009668, OMIM 253290.

Submission:

Labcorp Genetics (formerly Invitae), Labcorp
Classification: Uncertain significance for Lethal multiple pterygium syndrome. Last evaluated: 2025-03-30. Review status: criteria provided, single submitter. Criteria: Invitae Variant Classification Sherloc (09022015). Collection method: clinical testing. Allele origin: germline.
Comment: This sequence change replaces lysine, which is basic and polar, with arginine, which is basic and polar, at codon 205 of the CHRNA1 protein (p.Lys205Arg). This variant is not present in population databases (gnomAD no frequency). This variant has not been reported in the literature in individuals affected with CHRNA1-related conditions. Invitae Evidence Modeling of protein sequence and biophysical properties (such as structural, functional, and spatial information, amino acid conservation, physicochemical variation, residue mobility, and thermodynamic stability) indicates that this missense variant is not expected to disrupt CHRNA1 protein function with a negative predictive value of 80%. In summary, the available evidence is currently insufficient to determine the role of this variant in disease. Therefore, it has been classified as a Variant of Uncertain Significance.